The following is an entry in ClinVar:

ClinVar aggregate classification (germline): Uncertain significance (1 of 4 stars; one submission).

Conditions:
Hereditary spastic paraplegia 39 (SPG39). Also called: SPASTIC PARAPLEGIA 39, AUTOSOMAL RECESSIVE; Spastic Paraplegia Type 39 (SPG39). Identifiers: Orphanet 139480, MedGen C2677586, MONDO:0012787, OMIM 612020.

Allele frequency attached by ClinVar (database versions not stated): TOPMed below 0.00001.

Submission:

Labcorp Genetics (formerly Invitae), Labcorp
Classification: Uncertain significance for Hereditary spastic paraplegia 39. Last evaluated: 2020-12-04. Review status: criteria provided, single submitter. Criteria: Invitae Variant Classification Sherloc (09022015). Collection method: clinical testing. Allele origin: germline.
Comment: This sequence change replaces aspartic acid with glycine at codon 1115 of the PNPLA6 protein (p.Asp1115Gly). The aspartic acid residue is highly conserved and there is a moderate physicochemical difference between aspartic acid and glycine. This variant is not present in population databases (ExAC no frequency). This variant has not been reported in the literature in individuals with PNPLA6-related conditions. Algorithms developed to predict the effect of missense changes on protein structure and function are either unavailable or do not agree on the potential impact of this missense change (SIFT: "Deleterious"; PolyPhen-2: "Benign"; Align-GVGD: "Class C15"). Algorithms developed to predict the effect of sequence changes on RNA splicing suggest that this variant may create or strengthen a splice site, but this prediction has not been confirmed by published transcriptional studies. In summary, the available evidence is currently insufficient to determine the role of this variant in disease. Therefore, it has been classified as a Variant of Uncertain Significance.

NM_001166114.2(PNPLA6):c.3458A>G (p.Asp1153Gly)

Gene: PNPLA6 (patatin like domain 6, lysophospholipase; plus strand). Cytogenetic location: 19p13.2.
Variant type: single nucleotide variant.
Coding change: c.3458A>G on transcript NM_001166114.2 (MANE Select); coding-DNA position 3458, A replaced by G.
Protein change: p.Asp1153Gly; replaces aspartic acid 1153 with glycine.
Molecular consequence: missense variant.
Genome position (GRCh38, 1-based): chr19:7,558,910, A>G. VCF-style: chr19-7558910-A-G. GRCh37 (hg19) VCF-style: chr19-7623796-A-G.
Other names: c.3488A>G, p.Asp1163Gly (NM_001166111.2); c.3263A>G, p.Asp1088Gly (NM_001166112.2); c.3344A>G, p.Asp1115Gly (NM_001166113.1, NM_006702.5); short protein forms D1088G, D1115G, D1163G, D1153G.
Identifiers: ClinVar variation 1379592 (VCV001379592.8), dbSNP rs1333307739, ClinGen allele CA403134673.